The following is an entry in ClinVar:

NM_007294.4(BRCA1):c.1610A>C (p.Asn537Thr)

Gene: BRCA1 (BRCA1 DNA repair associated; minus strand). Cytogenetic location: 17q21.31.
Variant type: single nucleotide variant.
Coding change: c.1610A>C on transcript NM_007294.4 (MANE Select); coding-DNA position 1610, A replaced by C.
Protein change: p.Asn537Thr; replaces asparagine 537 with threonine.
Molecular consequence: missense variant. On other transcripts: intron variant (137).
Genome position (GRCh38, 1-based): chr17:43,093,921, T>G on the plus strand (A>C on the coding strand, the complement: BRCA1 is on the minus strand). VCF-style: chr17-43093921-T-G. GRCh37 (hg19) VCF-style: chr17-41245938-T-G.
Other names: c.1610A>C, p.Asn537Thr (NM_001407602.1, NM_001407603.1, NM_001407596.1 and 30 more transcripts); c.1607A>C, p.Asn536Thr (NM_001407610.1, NM_001407587.1, NM_001407590.1 and 22 more transcripts); c.661+823A>C (NM_001408435.1, NM_001408448.1, NM_001408445.1 and 6 more transcripts); c.784+823A>C (NM_001408401.1, NM_001408396.1, NM_001407985.1 and 13 more transcripts); c.548-2889A>C (NM_001408494.1); c.664+823A>C (NM_001408444.1, NM_001408438.1, NM_001408430.1 and 12 more transcripts); c.670+1925A>C (NM_001408423.1, NM_001408420.1, NM_001408419.1 and 2 more transcripts); c.787+823A>C (NM_001408404.1, NM_001408472.1, NM_001407990.1 and 19 more transcripts); and 40 more; short protein forms N409T, N426T, N489T, N510T, N536T, N241T, N410T, N448T.
Identifiers: ClinVar variation 1776374 (VCV001776374.4), dbSNP rs2154434057, ClinGen allele CA10598823.

ClinVar aggregate classification (germline): Conflicting classifications of pathogenicity. Review status: criteria provided, conflicting classifications (1 of 4 stars). 2 submissions from 2 submitters: Uncertain significance (1); Likely benign (1). Last evaluated 2023-03-23.

Conditions:
Hereditary cancer-predisposing syndrome. Also called: Neoplastic Syndromes, Hereditary; Tumor predisposition; Hereditary Cancer Syndrome; Hereditary neoplastic syndrome. Identifiers: Orphanet 140162, MedGen C0027672, MeSH D009386, MONDO:0015356.

Submissions (2):

University of Washington Department of Laboratory Medicine, University of Washington
Classification: Likely benign for Hereditary cancer-predisposing syndrome. Last evaluated: 2023-03-23. Review status: criteria provided, single submitter. Criteria: Dines et al. (Genet Med. 2020). Collection method: curation. Allele origin: germline.
Comment: Missense variant in a coldspot region where missense variants are very unlikely to be pathogenic (PMID:31911673).

BRCA1 coldspot (exon 11 using historical exon numbering). Reclassification based on statistical prior probability

Ambry Genetics
Classification: Uncertain significance for Hereditary cancer-predisposing syndrome. Last evaluated: 2020-01-29. Review status: criteria provided, single submitter. Criteria: Ambry Variant Classification Scheme 2023. Collection method: clinical testing. Allele origin: germline.
Comment: The p.N537T variant (also known as c.1610A>C), located in coding exon 9 of the BRCA1 gene, results from an A to C substitution at nucleotide position 1610. The asparagine at codon 537 is replaced by threonine, an amino acid with similar properties. This amino acid position is poorly conserved in available vertebrate species. In addition, the in silico prediction for this alteration is inconclusive. Since supporting evidence is limited at this time, the clinical significance of this alteration remains unclear.